The following is an entry in ClinVar:

NM_031407.7(HUWE1):c.5330C>G (p.Ala1777Gly)

Gene: HUWE1 (HECT, UBA and WWE domain containing E3 ubiquitin protein ligase 1; minus strand). Cytogenetic location: Xp11.22.
Variant type: single nucleotide variant.
Coding change: c.5330C>G on transcript NM_031407.7 (MANE Select); coding-DNA position 5330, C replaced by G.
Protein change: p.Ala1777Gly; replaces alanine 1777 with glycine.
Molecular consequence: missense variant.
Genome position (GRCh38, 1-based): chrX:53,583,748, G>C on the plus strand (C>G on the coding strand, the complement: HUWE1 is on the minus strand). VCF-style: chrX-53583748-G-C. GRCh37 (hg19) VCF-style: chrX-53610708-G-C.
Other names: short protein forms A1777G.
Identifiers: ClinVar variation 2637195 (VCV002637195.1), dbSNP rs1556970301, ClinGen allele CA413173839.

ClinVar aggregate classification (germline): Uncertain significance (1 of 4 stars; one submission).

Conditions:
HUWE1-related disorder. Also called: HUWE1-related condition.

gnomAD v4.1: 1 of 1,210,970 alleles (0.000083%); no homozygotes.

Submission:

PreventionGenetics, part of Exact Sciences
Classification: Uncertain significance for HUWE1-related condition. Last evaluated: 2022-10-07. Review status: criteria provided, single submitter. Criteria: ACMG Guidelines, 2015. Collection method: clinical testing. Allele origin: germline.
Comment: The HUWE1 c.5330C>G variant is predicted to result in the amino acid substitution p.Ala1777Gly. To our knowledge, this variant has not been reported in the literature. This variant has not been documented in a large population database, indicating that it is rare. At this time, the clinical significance of this variant is uncertain due to the absence of conclusive functional and genetic evidence.